The following is an entry in ClinVar:

ClinVar aggregate classification (germline): Uncertain significance (1 of 4 stars; one submission).

Submission:

Labcorp Genetics (formerly Invitae), Labcorp
Classification: Uncertain significance. Last evaluated: 2022-08-31. Review status: criteria provided, single submitter. Criteria: Invitae Variant Classification Sherloc (09022015). Collection method: clinical testing. Allele origin: germline.
Comment: In summary, the available evidence is currently insufficient to determine the role of this variant in disease. Therefore, it has been classified as a Variant of Uncertain Significance. Algorithms developed to predict the effect of missense changes on protein structure and function (SIFT, PolyPhen-2, Align-GVGD) all suggest that this variant is likely to be disruptive. ClinVar contains an entry for this variant (Variation ID: 1345566). This variant has not been reported in the literature in individuals affected with NDUFS1-related conditions. This variant is present in population databases (no rsID available, gnomAD 0.01%). This sequence change replaces asparagine, which is neutral and polar, with isoleucine, which is neutral and non-polar, at codon 384 of the NDUFS1 protein (p.Asn384Ile).

NM_005006.7(NDUFS1):c.1151A>T (p.Asn384Ile)

Gene: NDUFS1 (NADH:ubiquinone oxidoreductase core subunit S1; minus strand). Cytogenetic location: 2q33.3.
Variant type: single nucleotide variant.
Coding change: c.1151A>T on transcript NM_005006.7 (MANE Select); coding-DNA position 1151, A replaced by T.
Protein change: p.Asn384Ile; replaces asparagine 384 with isoleucine.
Molecular consequence: missense variant.
Genome position (GRCh38, 1-based): chr2:206,142,052, T>A on the plus strand (A>T on the coding strand, the complement: NDUFS1 is on the minus strand). VCF-style: chr2-206142052-T-A. GRCh37 (hg19) VCF-style: chr2-207006776-T-A.
Other names: c.1043A>T, p.Asn348Ile (NM_001199981.2); c.818A>T, p.Asn273Ile (NM_001199982.2); c.980A>T, p.Asn327Ile (NM_001199983.2); c.1193A>T, p.Asn398Ile (NM_001199984.2); short protein forms N327I, N273I, N348I, N384I, N398I.
Identifiers: ClinVar variation 1345566 (VCV001345566.7), dbSNP rs147185691, ClinGen allele CA63662625.